The following is an entry in ClinVar:

ClinVar aggregate classification (germline): Uncertain significance (1 of 4 stars; one submission).

Submission:

GeneDx
Classification: Uncertain significance. Last evaluated: 2025-03-25. Review status: criteria provided, single submitter. Criteria: GeneDx Variant Classification Process June 2021. Collection method: clinical testing. Allele origin: germline. Affected: yes.
Comment: Not observed at significant frequency in large population cohorts (gnomAD); In silico analysis supports that this missense variant has a deleterious effect on protein structure/function; Has not been previously published as pathogenic or benign to our knowledge

NM_003128.3(SPTBN1):c.1406C>T (p.Thr469Ile)

Gene: SPTBN1 (spectrin beta, non-erythrocytic 1; plus strand). Cytogenetic location: 2p16.2.
Variant type: single nucleotide variant.
Coding change: c.1406C>T on transcript NM_003128.3 (MANE Select); coding-DNA position 1406, C replaced by T.
Protein change: p.Thr469Ile; replaces threonine 469 with isoleucine.
Molecular consequence: missense variant.
Genome position (GRCh38, 1-based): chr2:54,625,996, C>T. VCF-style: chr2-54625996-C-T. GRCh37 (hg19) VCF-style: chr2-54853133-C-T.
Other names: c.1367C>T, p.Thr456Ile (NM_178313.3); short protein forms T469I, T456I.
Identifiers: ClinVar variation 4088096 (VCV004088096.1).